The following is an entry in ClinVar:

ClinVar aggregate classification (germline): Benign/Likely benign. Review status: criteria provided, multiple submitters, no conflicts (2 of 4 stars). 2 submissions from 2 submitters: Benign (1); Likely benign (1). Last evaluated 2025-12-29.

Allele frequency attached by ClinVar (database versions not stated): gnomAD exomes 0.00014 and 0.00038; ExAC 0.00042; 1000 Genomes Project 0.00120; TOPMed 0.00147; gnomAD 0.00149 and 0.00155; 1000 Genomes Project 30x 0.00172; ESP Exome Variant Server 0.00223.

Submissions (2):

Labcorp Genetics (formerly Invitae), Labcorp
Classification: Benign. Last evaluated: 2025-12-29. Review status: criteria provided, single submitter. Criteria: Invitae Variant Classification Sherloc (09022015). Collection method: clinical testing. Allele origin: germline.

Mayo Clinic Laboratories, Mayo Clinic
Classification: Likely benign. Last evaluated: 2025-02-16. Review status: criteria provided, single submitter. Criteria: ACMG Guidelines, 2015. Collection method: clinical testing. Allele origin: germline. Observed: 2 variant alleles.
Comment: BS1, BP4, BP7

NM_015665.6(AAAS):c.1249+8G>A

Gene: AAAS (aladin WD repeat nucleoporin; minus strand). Cytogenetic location: 12q13.13.
Variant type: single nucleotide variant.
Coding change: c.1249+8G>A on transcript NM_015665.6 (MANE Select); 8 bases into the intron after coding-DNA position 1249, G replaced by A.
Molecular consequence: intron variant.
Genome position (GRCh38, 1-based): chr12:53,308,274, C>T on the plus strand (G>A on the coding strand, the complement: AAAS is on the minus strand). VCF-style: chr12-53308274-C-T. GRCh37 (hg19) VCF-style: chr12-53702058-C-T.
Other names: p.?; c.1150+8G>A (NM_001173466.2).
Identifiers: ClinVar variation 309727 (VCV000309727.15), dbSNP rs200834285, ClinGen allele CA6598921.
Genomic context (GRCh38, chr12:53,308,274, plus strand): 5'-AGGGCACGGCCTCATTAGATTAACTGGGAAGATGGCTGTGGGCTGAGCCCTTCATCCTTG[C>T]CTCTCACCTTTCATAAGCACAGCCAGACGTTCCCCACTGGGGTCCCAGACCATGGAGTGA-3'